The following is an entry in ClinVar:

NM_004239.4(TRIP11):c.4182A>T (p.Glu1394Asp)

Gene: TRIP11 (thyroid hormone receptor interactor 11; minus strand). Cytogenetic location: 14q32.12.
Variant type: single nucleotide variant.
Coding change: c.4182A>T on transcript NM_004239.4 (MANE Select); coding-DNA position 4182, A replaced by T.
Protein change: p.Glu1394Asp; replaces glutamic acid 1394 with aspartic acid.
Molecular consequence: missense variant.
Genome position (GRCh38, 1-based): chr14:92,003,794, T>A on the plus strand (A>T on the coding strand, the complement: TRIP11 is on the minus strand). VCF-style: chr14-92003794-T-A. GRCh37 (hg19) VCF-style: chr14-92470138-T-A.
Other names: c.4179A>T, p.Glu1393Asp (NM_001321851.1); c.4182A>T (NM_004239.3); short protein forms E1393D, E1394D.
Identifiers: ClinVar variation 1431222 (VCV001431222.9), dbSNP rs771927850, ClinGen allele CA7313507.

ClinVar aggregate classification (germline): Uncertain significance. Review status: criteria provided, multiple submitters, no conflicts (2 of 4 stars). 2 submissions from 2 submitters: Uncertain significance (2). Last evaluated 2023-06-29.

Conditions:
Achondrogenesis, type IA (ACG1A). Identifiers: Orphanet 932, Orphanet 93299, MedGen C0265273, MONDO:0008701, OMIM 200600.
Inborn genetic diseases. Identifiers: MedGen C0950123, MeSH D030342.

Allele frequency attached by ClinVar (database versions not stated): gnomAD 0.00001; gnomAD exomes 0.00001 and 0.00005; TOPMed 0.00002; ExAC 0.00006.
gnomAD v4.1: 17 of 1,614,084 alleles (0.0011%); highest among the groups gnomAD compares: East Asian, 0.033%; no homozygotes.

Submissions (2):

Ambry Genetics
Classification: Uncertain significance for Inborn genetic diseases. Last evaluated: 2023-06-29. Review status: criteria provided, single submitter. Criteria: Ambry Variant Classification Scheme 2023. Collection method: clinical testing. Allele origin: germline.

Labcorp Genetics (formerly Invitae), Labcorp
Classification: Uncertain significance for Achondrogenesis, type IA. Last evaluated: 2022-08-31. Review status: criteria provided, single submitter. Criteria: Invitae Variant Classification Sherloc (09022015). Collection method: clinical testing. Allele origin: germline.
Comment: In summary, the available evidence is currently insufficient to determine the role of this variant in disease. Therefore, it has been classified as a Variant of Uncertain Significance. Algorithms developed to predict the effect of missense changes on protein structure and function are either unavailable or do not agree on the potential impact of this missense change (SIFT: "Not Available"; PolyPhen-2: "Probably Damaging"; Align-GVGD: "Not Available"). ClinVar contains an entry for this variant (Variation ID: 1431222). This variant has not been reported in the literature in individuals affected with TRIP11-related conditions. This variant is present in population databases (rs771927850, gnomAD 0.05%). This sequence change replaces glutamic acid with aspartic acid at codon 1394 of the TRIP11 protein (p.Glu1394Asp). The glutamic acid residue is highly conserved and there is a small physicochemical difference between glutamic acid and aspartic acid.